The following is an entry in ClinVar:

ClinVar aggregate classification (germline): Uncertain significance (1 of 4 stars; one submission).

Submission:

Labcorp Genetics (formerly Invitae), Labcorp
Classification: Uncertain significance. Last evaluated: 2025-03-16. Review status: criteria provided, single submitter. Criteria: Invitae Variant Classification Sherloc (09022015). Collection method: clinical testing. Allele origin: germline.
Comment: This variant, c.246_248dup, results in the insertion of 1 amino acid(s) of the RUNX2 protein (p.Ala89dup), but otherwise preserves the integrity of the reading frame. The frequency data for this variant in the population databases is considered unreliable, as metrics indicate poor data quality at this position in the gnomAD database. This variant has not been reported in the literature in individuals affected with RUNX2-related conditions. Experimental studies and prediction algorithms are not available or were not evaluated, and the functional significance of this variant is currently unknown. In summary, the available evidence is currently insufficient to determine the role of this variant in disease. Therefore, it has been classified as a Variant of Uncertain Significance.

NM_001024630.4(RUNX2):c.234GGC[6] (p.Ala89dup)

Genes: RUNX2 (RUNX family transcription factor 2; plus strand), LOC109611589 (runt related transcription factor 2 polyalanine expansion region; plus strand). Cytogenetic location: 6p21.1.
Variant type: Microsatellite.
Coding change: c.234GGC[6] on transcript NM_001024630.4 (MANE Select); six copies in a row of the 3-base unit GGC starting at c.234; the reference has five copies in a row; one copy, 3 bases duplicated.
Protein change: p.Ala89dup; duplicates alanine 89.
Molecular consequence: inframe insertion.
Genome position (GRCh38, 1-based): chr6:45,422,780-45,422,782, GGC duplicated; duplicating any 3 consecutive bases within chr6:45,422,766-45,422,782 gives the same sequence; the position shown is the placement nearest the transcript's 3' end. VCF-style (leftmost placement, unchanged base first): chr6-45422765-T-TGCG. GRCh37 (hg19) VCF-style: chr6-45390502-T-TGCG.
Other names: c.234GGC[6], p.Ala89dup (NM_001015051.4); c.192GGC[6], p.Ala75dup (NM_001278478.2, NM_001369405.1).
Identifiers: ClinVar variation 1496105 (VCV001496105.6), dbSNP rs750984370, ClinGen allele CA567156254.